The following is an entry in ClinVar:

ClinVar aggregate classification (germline): Benign/Likely benign. Review status: criteria provided, multiple submitters, no conflicts (2 of 4 stars). 4 submissions from 4 submitters: Benign (1); Likely benign (3). Last evaluated 2024-08-26.

Conditions:
Familial cancer of breast. Also called: BREAST CANCER, FAMILIAL; Hereditary breast cancer; hereditary breast carcinoma. Identifiers: Orphanet 227535, MedGen C0346153, MONDO:0016419, OMIM 114480. Disease mechanism: loss of function.
Fanconi anemia complementation group J. Also called: BRIP1-Related Fanconi Anemia. Identifiers: Orphanet 84, MedGen C1836860, MONDO:0012187, OMIM 609054.
Hereditary cancer-predisposing syndrome. Also called: Hereditary Cancer Syndrome; Tumor predisposition; Neoplastic Syndromes, Hereditary; Hereditary neoplastic syndrome. Identifiers: Orphanet 140162, MedGen C0027672, MeSH D009386, MONDO:0015356.

Allele frequency attached by ClinVar (database versions not stated): gnomAD exomes 0.00001.
gnomAD v4.1: 5 of 1,613,564 alleles (0.00031%); highest among the groups gnomAD compares: Non-Finnish European, 0.00042%; no homozygotes.

Submissions (4):

Myriad Genetics, Inc.
Classification: Benign for Familial cancer of breast. Last evaluated: 2024-08-26. Review status: criteria provided, single submitter. Criteria: Myriad Autosomal Dominant, Autosomal Recessive and X-Linked Classification Criteria (2023). Collection method: clinical testing. Allele origin: unknown.
Comment: This variant is considered benign. This variant is a silent/synonymous amino acid change and it is not expected to impact splicing.

Labcorp Genetics (formerly Invitae), Labcorp
Classification: Likely benign for Familial cancer of breast; Fanconi anemia complementation group J. Last evaluated: 2023-02-20. Review status: criteria provided, single submitter. Criteria: Invitae Variant Classification Sherloc (09022015). Collection method: clinical testing. Allele origin: germline.

Ambry Genetics
Classification: Likely benign for Hereditary cancer-predisposing syndrome. Last evaluated: 2018-09-30. Review status: criteria provided, single submitter. Criteria: Ambry Variant Classification Scheme 2023. Collection method: clinical testing. Allele origin: germline.

GeneDx
Classification: Likely benign. Last evaluated: 2017-06-22. Review status: criteria provided, single submitter. Criteria: GeneDx Variant Classification (06012015). Collection method: clinical testing. Allele origin: germline. Affected: yes.
Comment: This variant is considered likely benign or benign based on one or more of the following criteria: it is a conservative change, it occurs at a poorly conserved position in the protein, it is predicted to be benign by multiple in silico algorithms, and/or has population frequency not consistent with disease.

NM_032043.3(BRIP1):c.1227T>C (p.Ser409=)

Gene: BRIP1 (BRCA1 interacting DNA helicase 1; minus strand). Cytogenetic location: 17q23.2.
Variant type: single nucleotide variant.
Coding change: c.1227T>C on transcript NM_032043.3 (MANE Select); coding-DNA position 1227, T replaced by C.
Protein change: p.Ser409=; no amino-acid change (serine 409 retained).
Molecular consequence: synonymous variant.
Genome position (GRCh38, 1-based): chr17:61,799,213, A>G on the plus strand (T>C on the coding strand, the complement: BRIP1 is on the minus strand). VCF-style: chr17-61799213-A-G. GRCh37 (hg19) VCF-style: chr17-59876574-A-G.
Identifiers: ClinVar variation 510454 (VCV000510454.16), dbSNP rs1555607150, ClinGen allele CA501151560.